The following is an entry in ClinVar:

ClinVar aggregate classification (germline): Pathogenic (1 of 4 stars; one submission).

Conditions:
Proteosome-associated autoinflammatory syndrome. Also called: Proteasome-associated autoinflammatory syndrome. Identifiers: Orphanet 324977, MedGen C1850568, MONDO:0009726.

Submission:

Labcorp Genetics (formerly Invitae), Labcorp
Classification: Pathogenic for Proteosome-associated autoinflammatory syndrome. Last evaluated: 2022-08-16. Review status: criteria provided, single submitter. Criteria: Invitae Variant Classification Sherloc (09022015). Collection method: clinical testing. Allele origin: germline.
Comment: This variant has not been reported in the literature in individuals affected with PSMB8-related conditions. This variant is not present in population databases (gnomAD no frequency). This sequence change creates a premature translational stop signal (p.Asn204Lysfs*16) in the PSMB8 gene. It is expected to result in an absent or disrupted protein product. Loss-of-function variants in PSMB8 are known to be pathogenic (PMID: 26524591). For these reasons, this variant has been classified as Pathogenic. ClinVar contains an entry for this variant (Variation ID: 933294).

Literature cited by the submitters: PubMed 26524591.

NM_148919.4(PSMB8):c.608_611dup (p.Asn204fs)

Gene: PSMB8 (proteasome 20S subunit beta 8; minus strand). Cytogenetic location: 6p21.32.
Variant type: Duplication.
Coding change: c.608_611dup on transcript NM_148919.4 (MANE Select); coding-DNA positions 608 to 611, 4 bases duplicated (GGAA; older notation c.608_611dupGGAA).
Protein change: p.Asn204fs; shifts the reading frame from asparagine 204.
Molecular consequence: frameshift variant.
Genome position (GRCh38, 1-based): chr6:32,841,662-32,841,665, TTCC duplicated on the plus strand (GGAA on the coding strand, the reverse complement: PSMB8 is on the minus strand). VCF-style (leftmost placement, unchanged base first): chr6-32841661-G-GTTCC. GRCh37 (hg19) VCF-style: chr6-32809438-G-GTTCC.
Other names: c.596_599dup, p.Asn200fs (NM_004159.5); short protein forms N204fs, N200fs.
Identifiers: ClinVar variation 933294 (VCV000933294.8), dbSNP rs1769913209, ClinGen allele CA1139659484.